The following is an entry in ClinVar:

NM_001008537.3(NEXMIF):c.3001G>C (p.Val1001Leu)

Gene: NEXMIF (neurite extension and migration factor; minus strand). Cytogenetic location: Xq13.3.
Variant type: single nucleotide variant.
Coding change: c.3001G>C on transcript NM_001008537.3 (MANE Select); coding-DNA position 3001, G replaced by C.
Protein change: p.Val1001Leu; replaces valine 1001 with leucine.
Molecular consequence: missense variant.
Genome position (GRCh38, 1-based): chrX:74,741,556, C>G on the plus strand (G>C on the coding strand, the complement: NEXMIF is on the minus strand). VCF-style: chrX-74741556-C-G. GRCh37 (hg19) VCF-style: chrX-73961391-C-G.
Other names: short protein forms V1001L.
Identifiers: ClinVar variation 709642 (VCV000709642.20), dbSNP rs755462704, ClinGen allele CA10454986.

ClinVar aggregate classification (germline): Likely benign. Review status: criteria provided, multiple submitters, no conflicts (2 of 4 stars). 5 submissions from 5 submitters: Likely benign (5). Last evaluated 2026-01-21.

Conditions:
X-linked intellectual disability, Cantagrel type (XLID98). Also called: INTELLECTUAL DEVELOPMENTAL DISORDER, X-LINKED 98. Identifiers: Orphanet 85277, MedGen C3806730, MONDO:0010483, OMIM 300912.

Allele frequency attached by ClinVar (database versions not stated): gnomAD exomes 0.00005 and 0.00001; ExAC 0.00006; gnomAD 0.00009 and 0.00010; TOPMed 0.00011.
gnomAD v4.1: 24 of 1,209,811 alleles (0.002%); highest among the groups gnomAD compares: Admixed American, 0.046%; no homozygotes.

Submissions (5):

Labcorp Genetics (formerly Invitae), Labcorp
Classification: Likely benign. Last evaluated: 2026-01-21. Review status: criteria provided, single submitter. Criteria: Invitae Variant Classification Sherloc (09022015). Collection method: clinical testing. Allele origin: germline.

CeGaT Center for Human Genetics Tuebingen
Classification: Likely benign. Last evaluated: 2026-01-01. Review status: criteria provided, single submitter. Criteria: CeGaT Center For Human Genetics Tuebingen Variant Classification Criteria Version 2. Collection method: clinical testing. Allele origin: germline. Affected: yes. Observed: 1 variant allele.
Comment: NEXMIF: BP4, BS2

ARUP Laboratories, Molecular Genetics and Genomics, ARUP Laboratories
Classification: Likely benign for X-linked intellectual disability, Cantagrel type. Last evaluated: 2024-12-26. Review status: criteria provided, single submitter. Criteria: ARUP Molecular Germline Variant Investigation Process 2024. Collection method: clinical testing. Allele origin: germline.

Ambry Genetics
Classification: Likely benign. Last evaluated: 2024-04-06. Review status: criteria provided, single submitter. Criteria: Ambry Variant Classification Scheme 2023. Collection method: clinical testing. Allele origin: germline.

GeneDx
Classification: Likely benign. Last evaluated: 2021-06-09. Review status: criteria provided, single submitter. Criteria: GeneDx Variant Classification Process June 2021. Collection method: clinical testing. Allele origin: germline. Affected: yes.